The following is an entry in ClinVar:

NM_000350.3(ABCA4):c.1749G>C (p.Lys583Asn)

Gene: ABCA4 (ATP binding cassette subfamily A member 4; minus strand). Cytogenetic location: 1p22.1.
Variant type: single nucleotide variant.
Coding change: c.1749G>C on transcript NM_000350.3 (MANE Select); coding-DNA position 1749, G replaced by C.
Protein change: p.Lys583Asn; replaces lysine 583 with asparagine.
Molecular consequence: missense variant.
Genome position (GRCh38, 1-based): chr1:94,063,123, C>G on the plus strand (G>C on the coding strand, the complement: ABCA4 is on the minus strand). VCF-style: chr1-94063123-C-G. GRCh37 (hg19) VCF-style: chr1-94528679-C-G.
Other names: c.1749G>C, p.Lys583Asn (NM_001425324.1); short protein forms K583N.
Identifiers: ClinVar variation 814001 (VCV000814001.14), dbSNP rs145265791, ClinGen allele CA958443.

ClinVar aggregate classification (germline): Conflicting classifications of pathogenicity. Review status: criteria provided, conflicting classifications (1 of 4 stars). 6 submissions from 6 submitters: Pathogenic (3); Likely pathogenic (1); Uncertain significance (2). Last evaluated 2025-12-17.

Conditions:
Retinitis pigmentosa (RP). Identifiers: Orphanet 791, MedGen C0035334, MeSH D012174, MONDO:0019200, OMIM 268000. Inheritance: Autosomal dominant, autosomal recessive and X linked inheritance.
ABCA4-related disorder. Also called: ABCA4-related disorders; ABCA4-related condition. Identifiers: MedGen CN239167.
Cone-rod dystrophy 3 (CORD3). Identifiers: Orphanet 1872, MedGen C1858806, MONDO:0011395, OMIM 604116.
Retinal dystrophy. Also called: Inherited retinal dystrophy. Identifiers: Orphanet 71862, MedGen C0854723, MeSH D058499, MONDO:0019118, HP:0000556.

Allele frequency attached by ClinVar (database versions not stated): gnomAD exomes 0.00002; ExAC 0.00004; gnomAD 0.00005; TOPMed 0.00005; ESP Exome Variant Server 0.00008; 1000 Genomes Project 0.00020; 1000 Genomes Project 30x 0.00031.
gnomAD v4.1: 18 of 1,613,616 alleles (0.0011%); highest among the groups gnomAD compares: African/African-American, 0.019%; no homozygotes.

Submissions (6):

Labcorp Genetics (formerly Invitae), Labcorp
Classification: Pathogenic. Last evaluated: 2025-12-17. Review status: criteria provided, single submitter. Criteria: Invitae Variant Classification Sherloc (09022015). Collection method: clinical testing. Allele origin: germline.
Comment: This sequence change replaces lysine, which is basic and polar, with asparagine, which is neutral and polar, at codon 583 of the ABCA4 protein (p.Lys583Asn). This variant is present in population databases (rs145265791, gnomAD 0.04%). This missense change has been observed in individuals with clinical features of Stargardt disease (PMID: 29343940, 32307445; internal data). ClinVar contains an entry for this variant (Variation ID: 814001). Invitae Evidence Modeling of protein sequence and biophysical properties (such as structural, functional, and spatial information, amino acid conservation, physicochemical variation, residue mobility, and thermodynamic stability) indicates that this missense variant is expected to disrupt ABCA4 protein function with a positive predictive value of 95%. This variant disrupts the p.Lys583 amino acid residue in ABCA4. Other variant(s) that disrupt this residue have been observed in individuals with ABCA4-related conditions (PMID: 26593885), which suggests that this may be a clinically significant amino acid residue. For these reasons, this variant has been classified as Pathogenic.

Women's Health and Genetics/Laboratory Corporation of America, LabCorp
Classification: Pathogenic for Retinitis pigmentosa. Last evaluated: 2025-05-30. Review status: criteria provided, single submitter. Criteria: LabCorp Variant Classification Summary - May 2015. Collection method: clinical testing. Allele origin: germline.
Comment: Variant summary: ABCA4 c.1749G>C (p.Lys583Asn) results in a non-conservative amino acid change in the encoded protein sequence. Algorithms developed to predict the effect of missense changes on protein structure and function all suggest that this variant is likely to be disruptive. The variant allele was found at a frequency of 2.4e-05 in 251390 control chromosomes (gnomAD). c.1749G>C has been reported in the literature in individuals affected with Inherited Retinal Disease (e.g. Fujinami_2013, Dineiro_2020, Karali_2022) and Stargardt Disease (e.g. Bryant_2017, Khan_2020, internal data). These data indicate that the variant is very likely to be associated with disease. To our knowledge, no experimental evidence demonstrating an impact on protein function has been reported. The following publications have been ascertained in the context of this evaluation (PMID: 29343940, 32483926, 23982839, 36460718, 32307445, 36672815). ClinVar contains an entry for this variant (Variation ID: 814001). Based on the evidence outlined above, the variant was classified as pathogenic.

GeneDx
Classification: Uncertain significance. Last evaluated: 2023-12-01. Review status: criteria provided, single submitter. Criteria: GeneDx Variant Classification Process June 2021. Collection method: clinical testing. Allele origin: germline. Affected: yes.
Comment: In silico analysis supports that this missense variant has a deleterious effect on protein structure/function; This variant is associated with the following publications: (PMID: 32307445, 23982839, 36672815, 32483926, 36460718, 29343940, 34945039)

Institute of Human Genetics, Univ. Regensburg, Univ. Regensburg
Classification: Likely pathogenic for Retinal dystrophy. Last evaluated: 2023-01-01. Review status: criteria provided, single submitter. Criteria: ACMG Guidelines, 2015. Collection method: clinical testing. Allele origin: germline. Affected: yes.

Blueprint Genetics
Classification: Pathogenic for ABCA4-related disorders. Last evaluated: 2022-09-05. Review status: criteria provided, single submitter. Criteria: ACMG Guidelines, 2015. Collection method: clinical testing. Allele origin: germline. Affected: yes. Observed: 5 variant alleles.

Broad Center for Mendelian Genomics, Broad Institute of MIT and Harvard
Classification: Uncertain significance for Cone-rod dystrophy 3. Last evaluated: 2018-12-03. Review status: criteria provided, single submitter. Criteria: ACMG Guidelines, 2015. Collection method: research. Allele origin: germline. Inheritance: Autosomal recessive inheritance. Affected: yes.
Comment: This variant has been identified in 0.002844% (7/246160) of chromosomes by the Genome Aggregation Database (gnomAD; dbSNP rs145265791). Although this variant has been seen in the general population, its frequency is low enough to be consistent with a recessive carrier frequency. Computational prediction tools and conservation analyses suggest that this variant may impact the protein, though this information is not predictive enough to determine pathogenicity. The p.Lys583Asn variant in ABCA4 has been reported in two individuals, one with Stargardt disease and one with a "ABCA4-associated retinal disease" (PMID: 23982839, 29343940). In summary, the clinical significance of the p.Lys583Asn variant is uncertain. ACMG/AMP Criteria applied: PM2, PP3 (Richards 2015).

Literature cited by the submitters: PubMed 29343940 (cited by 4 submitters); PubMed 32307445 (cited by 3 submitters); PubMed 26593885 (cited by Labcorp Genetics (formerly Invitae), Labcorp); PubMed 32483926 (cited by Women's Health and Genetics/Laboratory Corporation of America, LabCorp and Institute of Human Genetics, Univ. Regensburg, Univ. Regensburg); PubMed 36460718 (cited by Women's Health and Genetics/Laboratory Corporation of America, LabCorp and Institute of Human Genetics, Univ. Regensburg, Univ. Regensburg); PubMed 36672815 (cited by Women's Health and Genetics/Laboratory Corporation of America, LabCorp and Institute of Human Genetics, Univ. Regensburg, Univ. Regensburg); PubMed 23982839 (cited by 3 submitters); PubMed 31964843 (cited by Institute of Human Genetics, Univ. Regensburg, Univ. Regensburg).